The following is an entry in ClinVar:

NM_001048174.2(MUTYH):c.1412G>T (p.Gly471Val)

Gene: MUTYH (mutY DNA glycosylase; minus strand). Cytogenetic location: 1p34.1.
Variant type: single nucleotide variant.
Coding change: c.1412G>T on transcript NM_001048174.2 (MANE Select); coding-DNA position 1412, G replaced by T.
Protein change: p.Gly471Val; replaces glycine 471 with valine.
Molecular consequence: missense variant. On other transcripts: non-coding transcript variant (7).
Genome position (GRCh38, 1-based): chr1:45,330,538, C>A on the plus strand (G>T on the coding strand, the complement: MUTYH is on the minus strand). VCF-style: chr1-45330538-C-A. GRCh37 (hg19) VCF-style: chr1-45796210-C-A.
Other names: c.1412G>T, p.Gly471Val (NM_001048171.2, NM_001048173.2, NM_001407081.1 and 6 more transcripts); c.1415G>T, p.Gly472Val (NM_001048172.2, NM_001407078.1, NM_001407086.1 and 1 more transcripts); c.1496G>T, p.Gly499Val (NM_001128425.2); c.1457G>T, p.Gly486Val (NM_001293190.2); c.1445G>T, p.Gly482Val (NM_001293191.2, NM_001407077.1, NM_001407069.1); c.1136G>T, p.Gly379Val (NM_001293192.2, NM_001293196.2, NM_001407091.1); c.1373G>T, p.Gly458Val (NM_001407079.1); c.1370G>T, p.Gly457Val (NM_001407080.1); and 5 more; short protein forms G379V, G458V, G478V, G499V, G486V, G496V, G356V, G457V.
Identifiers: ClinVar variation 4113285 (VCV004113285.1).

ClinVar aggregate classification (germline): Uncertain significance (1 of 4 stars; one submission).

Conditions:
Hereditary cancer-predisposing syndrome. Also called: Tumor predisposition; Neoplastic Syndromes, Hereditary; Hereditary neoplastic syndrome; Hereditary Cancer Syndrome. Identifiers: Orphanet 140162, MedGen C0027672, MeSH D009386, MONDO:0015356.

Submission:

Ambry Genetics
Classification: Uncertain significance for Hereditary cancer-predisposing syndrome. Last evaluated: 2025-08-27. Review status: criteria provided, single submitter. Criteria: Ambry Variant Classification Scheme 2023. Collection method: clinical testing. Allele origin: germline.
Comment: The p.G499V variant (also known as c.1496G>T), located in coding exon 15 of the MUTYH gene, results from a G to T substitution at nucleotide position 1496. The glycine at codon 499 is replaced by valine, an amino acid with dissimilar properties. This amino acid position is conserved. In addition, this alteration is predicted to be tolerated by in silico analysis. Based on the available evidence, the clinical significance of this variant remains unclear.